The following is an entry in ClinVar:

NM_000432.4(MYL2):c.169+6T>G

Gene: MYL2 (myosin light chain 2; minus strand). Cytogenetic location: 12q24.11.
Variant type: single nucleotide variant.
Coding change: c.169+6T>G on transcript NM_000432.4 (MANE Select); 6 bases into the intron after coding-DNA position 169, T replaced by G.
Molecular consequence: intron variant.
Genome position (GRCh38, 1-based): chr12:110,915,709, A>C on the plus strand (T>G on the coding strand, the complement: MYL2 is on the minus strand). VCF-style: chr12-110915709-A-C. GRCh37 (hg19) VCF-style: chr12-111353513-A-C.
Other names: c.112+6T>G (NM_001406916.1); c.94-1385T>G (NM_001406745.1).
Identifiers: ClinVar variation 3724840 (VCV003724840.2).
Genomic context (GRCh38, chr12:110,915,709, plus strand): 5'-CACCTCCTGCTCCTCATGGATGTGAGATAAAGAGACCCTCATGCAGGGCTAGAGAGGGTG[A>C]CATACCAAGGGCAGCAAAGGTGTCTCTCAGATCGTTCTTGTCAATGAAGCCATCCCTGTT-3'

ClinVar aggregate classification (germline): Uncertain significance (1 of 4 stars; one submission).

Conditions:
Hypertrophic cardiomyopathy 10. Also called: MYL2-Related Familial Hypertrophic Cardiomyopathy; CARDIOMYOPATHY, HYPERTROPHIC, MID-LEFT VENTRICULAR CHAMBER TYPE, 2. Identifiers: MedGen C1834460, MONDO:0012112, OMIM 608758.

Submission:

Labcorp Genetics (formerly Invitae), Labcorp
Classification: Uncertain significance for Hypertrophic cardiomyopathy 10. Last evaluated: 2024-11-07. Review status: criteria provided, single submitter. Criteria: Invitae Variant Classification Sherloc (09022015). Collection method: clinical testing. Allele origin: germline.
Comment: This sequence change falls in intron 3 of the MYL2 gene. It does not directly change the encoded amino acid sequence of the MYL2 protein. It affects a nucleotide within the consensus splice site. This variant is not present in population databases (gnomAD no frequency). This variant has not been reported in the literature in individuals affected with MYL2-related conditions. Variants that disrupt the consensus splice site are a relatively common cause of aberrant splicing (PMID: 17576681, 9536098). Algorithms developed to predict the effect of sequence changes on RNA splicing suggest that this variant is not likely to affect RNA splicing. In summary, the available evidence is currently insufficient to determine the role of this variant in disease. Therefore, it has been classified as a Variant of Uncertain Significance.

Literature cited by the submitters: PubMed 17576681; PubMed 9536098.